The following is an entry in ClinVar:

ClinVar aggregate classification (germline): Pathogenic. Review status: criteria provided, multiple submitters, no conflicts (2 of 4 stars). 3 submissions from 3 submitters: Pathogenic (3). Last evaluated 2023-08-28.

Conditions:
Hereditary nonpolyposis colorectal neoplasms. Identifiers: MedGen C0009405, MeSH D003123.
Hereditary cancer-predisposing syndrome. Also called: Neoplastic Syndromes, Hereditary; Tumor predisposition; Hereditary Cancer Syndrome; Hereditary neoplastic syndrome. Identifiers: Orphanet 140162, MedGen C0027672, MeSH D009386, MONDO:0015356.
Lynch syndrome 5 (LYNCH5). Also called: Colorectal cancer, hereditary nonpolyposis, type 5; Hereditary non-polyposis colorectal cancer, type 5. Identifiers: Orphanet 144, MedGen C1833477, MONDO:0013710, OMIM 614350. Disease mechanism: loss of function.

Submissions (3):

Myriad Genetics, Inc.
Classification: Pathogenic for Lynch syndrome 5. Last evaluated: 2023-08-28. Review status: criteria provided, single submitter. Criteria: Myriad Autosomal Dominant, Autosomal Recessive and X-Linked Classification Criteria (2023). Collection method: clinical testing. Allele origin: unknown.
Comment: This variant is considered pathogenic. This variant creates a frameshift predicted to result in premature protein truncation.

Labcorp Genetics (formerly Invitae), Labcorp
Classification: Pathogenic for Hereditary nonpolyposis colorectal neoplasms. Last evaluated: 2022-03-26. Review status: criteria provided, single submitter. Criteria: Invitae Variant Classification Sherloc (09022015). Collection method: clinical testing. Allele origin: germline.
Comment: For these reasons, this variant has been classified as Pathogenic. This variant disrupts a region of the MSH6 protein in which other variant(s) (p.Arg1334Ilefs*8) have been determined to be pathogenic (PMID: 10508506, 15236168, 21836479). This suggests that this is a clinically significant region of the protein, and that variants that disrupt it are likely to be disease-causing. This variant has not been reported in the literature in individuals affected with MSH6-related conditions. This variant is not present in population databases (gnomAD no frequency). This sequence change creates a premature translational stop signal (p.Leu1330Ilefs*2) in the MSH6 gene. While this is not anticipated to result in nonsense mediated decay, it is expected to disrupt the last 31 amino acid(s) of the MSH6 protein.

Ambry Genetics
Classification: Pathogenic for Hereditary cancer-predisposing syndrome. Last evaluated: 2022-03-08. Review status: criteria provided, single submitter. Criteria: Ambry Variant Classification Scheme 2023. Collection method: clinical testing. Allele origin: germline.
Comment: The c.3966_3987dup22 mutation, located in coding exon 9 of the MSH6 gene, results from a duplication of ATTTGAGAAGATGAATCAGTCA at nucleotide position 3966, causing a translational frameshift with a predicted alternate stop codon (p.L1330Ifs*2). This alteration occurs at the 3' terminus of theMSH6 gene, is not expected to trigger nonsense-mediated mRNA decay, and only impacts the last 31 amino acids of the protein. However, premature stop codons are typically deleterious in nature and other truncating alterations downstream have been observed in individuals with a personal and/or family history that is consistent with MSH6-related disease (Ambry internal data). This variant is considered to be rare based on population cohorts in the Genome Aggregation Database (gnomAD). Based on the supporting evidence, this alteration is interpreted as a disease-causing mutation.

Literature cited by the submitters: PubMed 10508506 (cited by Labcorp Genetics (formerly Invitae), Labcorp); PubMed 15236168 (cited by Labcorp Genetics (formerly Invitae), Labcorp); PubMed 21836479 (cited by Labcorp Genetics (formerly Invitae), Labcorp).

NM_000179.3(MSH6):c.3966_3987dup (p.Leu1330delinsIleTer)

Gene: MSH6 (mutS homolog 6; plus strand). Cytogenetic location: 2p16.3.
Variant type: Duplication.
Coding change: c.3966_3987dup on transcript NM_000179.3 (MANE Select); coding-DNA positions 3966 to 3987, 22 bases duplicated (ATTTGAGAAGATGAATCAGTCA).
Protein change: p.Leu1330delinsIleTer.
Molecular consequence: nonsense. On other transcripts: frameshift variant (38).
Genome position (GRCh38, 1-based): chr2:47,806,616-47,806,637, ATTTGAGAAGATGAATCAGTCA duplicated; duplicating any 22 consecutive bases within chr2:47,806,615-47,806,637 gives the same sequence; the c. name uses the placement nearest the transcript's 3' end. VCF-style (leftmost placement, unchanged base first): chr2-47806614-G-GAATTTGAGAAGATGAATCAGTC. GRCh37 (hg19) VCF-style: chr2-48033753-G-GAATTTGAGAAGATGAATCAGTC.
Other names: c.3576_3597dup, p.Leu1200delinsIleTer (NM_001281492.2); c.3060_3081dup, p.Leu1028delinsIleTer (NM_001281493.2, NM_001281494.2); c.4062_4083dup, p.Leu1362Ilefs (NM_001406795.1); c.3966_3987dup, p.Leu1330Ilefs (NM_001406796.1, NM_001406808.1, NM_001406809.1); c.3669_3690dup, p.Leu1231Ilefs (NM_001406797.1, NM_001406801.1, NM_001406805.1 and 10 more transcripts); c.3792_3813dup, p.Leu1272Ilefs (NM_001406798.1); c.3441_3462dup, p.Leu1155Ilefs (NM_001406799.1, NM_001406806.1, NM_001406807.1); c.3953_*8dup, p.Asn1318_Ter(1322_?)(?) (NM_001406800.1); and 10 more.
Identifiers: ClinVar variation 1736552 (VCV001736552.8), dbSNP rs2530876152, ClinGen allele CA2580067518.